The following is an entry in ClinVar:

NM_052947.4(ALPK2):c.3206C>G (p.Thr1069Arg)

Gene: ALPK2 (alpha kinase 2; minus strand). Cytogenetic location: 18q21.31.
Variant type: single nucleotide variant.
Coding change: c.3206C>G on transcript NM_052947.4 (MANE Select); coding-DNA position 3206, C replaced by G.
Protein change: p.Thr1069Arg; replaces threonine 1069 with arginine.
Molecular consequence: missense variant.
Genome position (GRCh38, 1-based): chr18:58,536,981, G>C on the plus strand (C>G on the coding strand, the complement: ALPK2 is on the minus strand). VCF-style: chr18-58536981-G-C. GRCh37 (hg19) VCF-style: chr18-56204213-G-C.
Other names: short protein forms T1069R.
Identifiers: ClinVar variation 1728864 (VCV001728864.2), dbSNP rs1476004647, ClinGen allele CA402568876.

ClinVar aggregate classification (germline): Uncertain significance (1 of 4 stars; one submission).

gnomAD v4.1: 1 of 1,614,186 alleles (0.000062%); highest among the groups gnomAD compares: East Asian, 0.0022%; no homozygotes.

Submission:

Ambry Genetics
Classification: Uncertain significance. Last evaluated: 2022-09-30. Review status: criteria provided, single submitter. Criteria: Ambry Variant Classification Scheme 2023. Collection method: clinical testing. Allele origin: germline.
Comment: The p.T1069R variant (also known as c.3206C>G), located in coding exon 4 of the ALPK2 gene, results from a C to G substitution at nucleotide position 3206. The threonine at codon 1069 is replaced by arginine, an amino acid with similar properties. This amino acid position is conserved. In addition, this alteration is predicted to be tolerated by in silico analysis. Since supporting evidence is limited at this time, the clinical significance of this alteration remains unclear.